The following is an entry in ClinVar:

ClinVar aggregate classification (germline): Likely benign. Review status: criteria provided, multiple submitters, no conflicts (2 of 4 stars). 5 submissions from 5 submitters: Likely benign (5). Last evaluated 2025-12-24.

Allele frequency attached by ClinVar (database versions not stated): ExAC 0.00002; gnomAD 0.00004 and 0.00005; gnomAD exomes 0.00004 and 0.00006; TOPMed 0.00005; ESP Exome Variant Server 0.00008.
gnomAD v4.1: 105 of 1,614,180 alleles (0.0065%); highest among the groups gnomAD compares: Middle Eastern, 0.97%; 2 homozygotes.

Submissions (5):

Labcorp Genetics (formerly Invitae), Labcorp
Classification: Likely benign. Last evaluated: 2025-12-24. Review status: criteria provided, single submitter. Criteria: Invitae Variant Classification Sherloc (09022015). Collection method: clinical testing. Allele origin: germline.

Blueprint Genetics
Classification: Likely benign. Last evaluated: 2024-04-23. Review status: criteria provided, single submitter. Criteria: ACMG Guidelines, 2015. Collection method: clinical testing. Allele origin: germline.

CeGaT Center for Human Genetics Tuebingen
Classification: Likely benign. Last evaluated: 2023-01-01. Review status: criteria provided, single submitter. Criteria: CeGaT Center For Human Genetics Tuebingen Variant Classification Criteria Version 2. Collection method: clinical testing. Allele origin: germline. Affected: yes. Observed: 2 variant alleles.
Comment: B4GALT1: BP4, BP7

GeneDx
Classification: Likely benign. Last evaluated: 2018-07-02. Review status: criteria provided, single submitter. Criteria: GeneDx Variant Classification Process June 2021. Collection method: clinical testing. Allele origin: germline. Affected: yes.

Breakthrough Genomics
Classification: Likely benign. Review status: criteria provided, single submitter. Criteria: ACMG Guidelines, 2015. Collection method: not provided. Allele origin: germline. Inheritance: Autosomal recessive inheritance. Affected: yes.

NM_001497.4(B4GALT1):c.621G>A (p.Leu207=)

Gene: B4GALT1 (beta-1,4-galactosyltransferase 1; minus strand). Cytogenetic location: 9p21.1.
Variant type: single nucleotide variant.
Coding change: c.621G>A on transcript NM_001497.4 (MANE Select); coding-DNA position 621, G replaced by A.
Protein change: p.Leu207=; no amino-acid change (leucine 207 retained).
Molecular consequence: synonymous variant.
Genome position (GRCh38, 1-based): chr9:33,135,216, C>T on the plus strand (G>A on the coding strand, the complement: B4GALT1 is on the minus strand). VCF-style: chr9-33135216-C-T. GRCh37 (hg19) VCF-style: chr9-33135214-C-T.
Other names: c.582G>A, p.Leu194= (NM_001378495.1); c.621G>A, p.Leu207= (NM_001378496.1, NM_001378497.1).
Identifiers: ClinVar variation 366660 (VCV000366660.45), dbSNP rs145241128, ClinGen allele CA5023740.